The following is an entry in ClinVar:

ClinVar aggregate classification (germline): Uncertain significance (1 of 4 stars; one submission).

Submission:

CeGaT Center for Human Genetics Tuebingen
Classification: Uncertain significance. Last evaluated: 2026-09-01. Review status: criteria provided, single submitter. Criteria: CeGaT Center For Human Genetics Tuebingen Variant Classification Criteria Version 2. Collection method: clinical testing. Allele origin: germline. Affected: yes. Observed: 1 variant allele.
Comment: DAG1: PM2

NM_004393.6(DAG1):c.232T>C (p.Phe78Leu)

Gene: DAG1 (dystroglycan 1; plus strand). Cytogenetic location: 3p21.31.
Variant type: single nucleotide variant.
Coding change: c.232T>C on transcript NM_004393.6 (MANE Select); coding-DNA position 232, T replaced by C.
Protein change: p.Phe78Leu; replaces phenylalanine 78 with leucine.
Molecular consequence: missense variant.
Genome position (GRCh38, 1-based): chr3:49,510,766, T>C. VCF-style: chr3-49510766-T-C. GRCh37 (hg19) VCF-style: chr3-49548199-T-C.
Other names: c.232T>C, p.Phe78Leu (NM_001165928.4, NM_001177634.3, NM_001177635.3 and 18 more transcripts); short protein forms F78L.
Identifiers: ClinVar variation 5041519 (VCV005041519.1).